The following is an entry in ClinVar:

ClinVar aggregate classification (germline): Benign (1 of 4 stars; one submission).

Conditions:
ASTN2-related disorder. Also called: ASTN2-related condition.

gnomAD v4.1: 1,907 of 1,367,518 alleles (0.14%); highest among the groups gnomAD compares: African/African-American, 2.5%; 20 homozygotes.

Submission:

PreventionGenetics, part of Exact Sciences
Classification: Benign for ASTN2-related condition. Last evaluated: 2026-03-17. Review status: criteria provided, single submitter. Criteria: ACMG Guidelines, 2015. Collection method: clinical testing. Allele origin: germline.
Comment: This variant is classified as benign based on ACMG/AMP sequence variant interpretation guidelines (Richards et al. 2015 PMID: 25741868, with internal and published modifications).

NM_001365068.1(ASTN2):c.1089G>A (p.Thr363=)

Gene: ASTN2 (astrotactin 2; minus strand). Cytogenetic location: 9q33.1.
Variant type: single nucleotide variant.
Coding change: c.1089G>A on transcript NM_001365068.1 (MANE Select); coding-DNA position 1089, G replaced by A.
Protein change: p.Thr363=; no amino-acid change (threonine 363 retained).
Molecular consequence: synonymous variant. On other transcripts: intron variant (1).
Genome position (GRCh38, 1-based): chr9:117,141,405, C>T on the plus strand (G>A on the coding strand, the complement: ASTN2 is on the minus strand). VCF-style: chr9-117141405-C-T. GRCh37 (hg19) VCF-style: chr9-119903684-C-T.
Other names: c.1089G>A, p.Thr363= (NM_001365069.1); c.1016-45254G>A (NM_014010.5).
Identifiers: ClinVar variation 4982902 (VCV004982902.1).